The following is an entry in ClinVar:

NM_002532.6(NUP88):c.1510C>T (p.Pro504Ser)

Gene: NUP88 (nucleoporin 88; minus strand). Cytogenetic location: 17p13.2.
Variant type: single nucleotide variant.
Coding change: c.1510C>T on transcript NM_002532.6 (MANE Select); coding-DNA position 1510, C replaced by T.
Protein change: p.Pro504Ser; replaces proline 504 with serine.
Molecular consequence: missense variant.
Genome position (GRCh38, 1-based): chr17:5,388,935, G>A on the plus strand (C>T on the coding strand, the complement: NUP88 is on the minus strand). VCF-style: chr17-5388935-G-A. GRCh37 (hg19) VCF-style: chr17-5292255-G-A.
Other names: c.1510C>T, p.Pro504Ser (NM_001320653.2); short protein forms P504S.
Identifiers: ClinVar variation 1029454 (VCV001029454.1), dbSNP rs767864487, ClinGen allele CA8324228.

ClinVar aggregate classification (germline): Uncertain significance (1 of 4 stars; one submission).

Conditions:
Fetal akinesia deformation sequence 4. Identifiers: MedGen C4760578, MONDO:0100104, OMIM 618393.

Allele frequency attached by ClinVar (database versions not stated): TOPMed 0.00001; gnomAD exomes 0.00002 and 0.00009; ExAC 0.00008.
gnomAD v4.1: 24 of 1,612,616 alleles (0.0015%); highest among the groups gnomAD compares: Admixed American, 0.037%; no homozygotes.

Submission:

Baylor Genetics
Classification: Uncertain significance for Fetal akinesia deformation sequence 4. Last evaluated: 2019-10-21. Review status: criteria provided, single submitter. Criteria: ACMG Guidelines, 2015. Collection method: clinical testing. Allele origin: unknown. Affected: yes.
Comment: This variant was determined to be of uncertain significance according to ACMG Guidelines, 2015 [PMID:25741868].